The following is an entry in ClinVar:

ClinVar aggregate classification (germline): Uncertain significance (1 of 4 stars; one submission).

Conditions:
Anauxetic dysplasia. Identifiers: Orphanet 93347, MedGen C1846796, MONDO:0011773.

Submission:

Labcorp Genetics (formerly Invitae), Labcorp
Classification: Uncertain significance for Anauxetic dysplasia. Last evaluated: 2022-09-06. Review status: criteria provided, single submitter. Criteria: Invitae Variant Classification Sherloc (09022015). Collection method: clinical testing. Allele origin: germline.
Comment: In summary, the available evidence is currently insufficient to determine the role of this variant in disease. Therefore, it has been classified as a Variant of Uncertain Significance. Experimental studies and prediction algorithms are not available or were not evaluated, and the functional significance of this variant is currently unknown. This variant has not been reported in the literature in individuals affected with RMRP-related conditions. This variant is not present in population databases (gnomAD no frequency). This variant occurs in the RMRP gene, which encodes an RNA molecule that does not result in a protein product.

NR_003051.4(RMRP):n.214_217GCAG[1]

Gene: RMRP (RNA component of mitochondrial RNA processing endoribonuclease; minus strand). Cytogenetic location: 9p13.3.
Variant type: Microsatellite.
Genome position: GRCh38 VCF-style: chr9-35657798-ACTGC-A. GRCh37 (hg19) VCF-style: chr9-35657795-ACTGC-A.
Identifiers: ClinVar variation 1993379 (VCV001993379.4), dbSNP rs2490599945, ClinGen allele CA2580616180.